The following is an entry in ClinVar:

NM_032608.7(MYO18B):c.2249C>T (p.Pro750Leu)

Gene: MYO18B (myosin XVIIIB; plus strand). Cytogenetic location: 22q12.1.
Variant type: single nucleotide variant.
Coding change: c.2249C>T on transcript NM_032608.7 (MANE Select); coding-DNA position 2249, C replaced by T.
Protein change: p.Pro750Leu; replaces proline 750 with leucine.
Molecular consequence: missense variant.
Genome position (GRCh38, 1-based): chr22:25,781,771, C>T. VCF-style: chr22-25781771-C-T. GRCh37 (hg19) VCF-style: chr22-26177738-C-T.
Other names: c.2249C>T, p.Pro750Leu (NM_001318245.2); short protein forms P750L.
Identifiers: ClinVar variation 1937309 (VCV001937309.4), dbSNP rs773181551, ClinGen allele CA10160108.

ClinVar aggregate classification (germline): Uncertain significance (1 of 4 stars; one submission).

Allele frequency attached by ClinVar (database versions not stated): ExAC 0.00002; gnomAD 0.00002; TOPMed 0.00002; gnomAD exomes 0.00003.
gnomAD v4.1: 41 of 1,592,450 alleles (0.0026%); highest among the groups gnomAD compares: Non-Finnish European, 0.0033%; no homozygotes.

Submission:

Labcorp Genetics (formerly Invitae), Labcorp
Classification: Uncertain significance. Last evaluated: 2022-01-12. Review status: criteria provided, single submitter. Criteria: Invitae Variant Classification Sherloc (09022015). Collection method: clinical testing. Allele origin: germline.
Comment: The frequency data for this variant in the population databases is considered unreliable, as metrics indicate poor data quality at this position in the gnomAD database. This sequence change replaces proline, which is neutral and non-polar, with leucine, which is neutral and non-polar, at codon 750 of the MYO18B protein (p.Pro750Leu). This variant has not been reported in the literature in individuals affected with MYO18B-related conditions. Algorithms developed to predict the effect of missense changes on protein structure and function output the following: SIFT: "Not Available"; PolyPhen-2: "Benign"; Align-GVGD: "Not Available". The leucine amino acid residue is found in multiple mammalian species, which suggests that this missense change does not adversely affect protein function. In summary, the available evidence is currently insufficient to determine the role of this variant in disease. Therefore, it has been classified as a Variant of Uncertain Significance.